The following is an entry in ClinVar:

NM_005235.3(ERBB4):c.1441A>G (p.Ile481Val)

Gene: ERBB4 (erb-b2 receptor tyrosine kinase 4; minus strand). Cytogenetic location: 2q34.
Variant type: single nucleotide variant.
Coding change: c.1441A>G on transcript NM_005235.3 (MANE Select); coding-DNA position 1441, A replaced by G.
Protein change: p.Ile481Val; replaces isoleucine 481 with valine.
Molecular consequence: missense variant.
Genome position (GRCh38, 1-based): chr2:211,702,015, T>C on the plus strand (A>G on the coding strand, the complement: ERBB4 is on the minus strand). VCF-style: chr2-211702015-T-C. GRCh37 (hg19) VCF-style: chr2-212566740-T-C.
Other names: c.1441A>G, p.Ile481Val (NM_001042599.2); short protein forms I481V.
Identifiers: ClinVar variation 1424254 (VCV001424254.9), dbSNP rs368860175, ClinGen allele CA2088133.
Genomic context (GRCh38, chr2:211,702,015, plus strand): 5'-TAATGTACTTACTACAATTTTCAGCTTTTCTGTTGTCCCGGATTACTATTCTCTGGTTGA[T>C]TGTGCTGAAGAGTGTTGTCCAGTTAATGGTATGATAATAACACAGGTTGCTGTTGTCAGT-3'
Protein context (NP_005226.1, residues 471-491): TINWTTLFST[Ile481Val]NQRIVIRDNR

ClinVar aggregate classification (germline): Uncertain significance. Review status: criteria provided, multiple submitters, no conflicts (2 of 4 stars). 2 submissions from 2 submitters: Uncertain significance (2). Last evaluated 2022-08-31.

Conditions:
Amyotrophic lateral sclerosis type 10 (ALS10). Also called: AMYOTROPHIC LATERAL SCLEROSIS 10 WITHOUT FRONTOTEMPORAL DEMENTIA AND WITH TDP43 INCLUSIONS; AMYOTROPHIC LATERAL SCLEROSIS 10 WITH OR WITHOUT FRONTOTEMPORAL DEMENTIA AND WITH TDP43 INCLUSIONS; AMYOTROPHIC LATERAL SCLEROSIS 10 WITH OR WITHOUT FRONTOTEMPORAL DEMENTIA; TARDBP-Related Amyotrophic Lateral Sclerosis-Frontotemporal Dementia; Amyotrophic lateral sclerosis 10, with or without FTD. Identifiers: Orphanet 275872, Orphanet 803, MedGen C2677565, MONDO:0012790, OMIM 612069.

Allele frequency attached by ClinVar (database versions not stated): ExAC 0.00001; gnomAD exomes 0.00001; gnomAD 0.00002; TOPMed 0.00002; ESP Exome Variant Server 0.00008.
gnomAD v4.1: 25 of 1,613,938 alleles (0.0015%); highest among the groups gnomAD compares: East Asian, 0.0022%; no homozygotes.

Submissions (2):

Human Genetics Bochum, Ruhr University Bochum
Classification: Uncertain significance for Amyotrophic lateral sclerosis type 10. Last evaluated: 2022-08-31. Review status: criteria provided, single submitter. Criteria: ACMG Guidelines, 2015. Collection method: clinical testing. Allele origin: germline. Affected: yes.
Comment: ACMG criteria used to clasify this variant: PM2, BP4

Labcorp Genetics (formerly Invitae), Labcorp
Classification: Uncertain significance. Last evaluated: 2021-06-05. Review status: criteria provided, single submitter. Criteria: Invitae Variant Classification Sherloc (09022015). Collection method: clinical testing. Allele origin: germline.
Comment: This variant has not been reported in the literature in individuals with ERBB4-related conditions. Algorithms developed to predict the effect of missense changes on protein structure and function output the following: SIFT: "Tolerated"; PolyPhen-2: "Benign"; Align-GVGD: "Class C0". The valine amino acid residue is found in multiple mammalian species, suggesting that this missense change does not adversely affect protein function. These predictions have not been confirmed by published functional studies and their clinical significance is uncertain. In summary, the available evidence is currently insufficient to determine the role of this variant in disease. Therefore, it has been classified as a Variant of Uncertain Significance. This variant is present in population databases (rs368860175, ExAC 0.001%). This sequence change replaces isoleucine with valine at codon 481 of the ERBB4 protein (p.Ile481Val). The isoleucine residue is weakly conserved and there is a small physicochemical difference between isoleucine and valine.